The following is an entry in ClinVar:

ClinVar aggregate classification (germline): Pathogenic (1 of 4 stars; one submission).

Conditions:
Werner syndrome (WRN). Identifiers: Orphanet 902, MedGen C0043119, MONDO:0010196, OMIM 277700.

Submission:

Division of Genomic Medicine, Department of Advanced Medicine, Medical Research Institute, Kanazawa Medical University
Classification: Pathogenic for Werner syndrome. Last evaluated: 2023-10-12. Review status: criteria provided, single submitter. Criteria: ACMG Guidelines, 2015. Collection method: clinical testing. Allele origin: germline. Affected: yes. Observed: 1 variant allele.
Comment: This frameshift variant (PVS1) was found homozygous in patients. Also, is absent from controls (PM2), and the patient’s phenotype is highly specific for a disease (PP4). This variant is judged to be pathogenic according to ACMG Guidelines, 2015.

NM_000553.6(WRN):c.2858_2859del (p.Glu953fs)

Gene: WRN (WRN RecQ like helicase; plus strand). Cytogenetic location: 8p12.
Variant type: Microsatellite.
Coding change: c.2858_2859del on transcript NM_000553.6 (MANE Select); coding-DNA positions 2858 to 2859, 2 bases deleted (AG; older notation c.2858_2859delAG).
Protein change: p.Glu953fs; shifts the reading frame from glutamic acid 953.
Molecular consequence: frameshift variant.
Genome position (GRCh38, 1-based): chr8:31,132,397-31,132,398, AG deleted; deleting any 2 consecutive bases within chr8:31,132,395-31,132,398 gives the same sequence; the c. name uses the placement nearest the transcript's 3' end. VCF-style (leftmost placement, unchanged base first): chr8-31132394-CAG-C. GRCh37 (hg19) VCF-style: chr8-30989910-CAG-C.
Other names: short protein forms E953fs.
Identifiers: ClinVar variation 2583125 (VCV002583125.2), dbSNP rs2536012106, ClinGen allele CA2506764169.